The following is an entry in ClinVar:

ClinVar aggregate classification (germline): Uncertain significance. Review status: criteria provided, single submitter (1 of 4 stars). 2 submissions from 2 submitters: Uncertain significance (1). 1 of the submissions does not count toward it. Last evaluated 2019-08-21.

Conditions:
Arthrogryposis, distal, type 2B3. Also called: Arthrogryposis, distal, type 2B3 (Sheldon-Hall). Identifiers: MedGen C5193098, MONDO:0032751, OMIM 618436.

Submissions (2):

SIB Swiss Institute of Bioinformatics
Classification: Uncertain significance for Arthrogryposis, distal, type 2B3. Last evaluated: 2019-08-21. Review status: criteria provided, single submitter. Criteria: ACMG Guidelines, 2015. Collection method: curation. Allele origin: unknown.
Comment: This variant is interpreted as a variant of uncertain significance for Arthrogryposis, distal, 2B3, autosomal dominant. The following ACMG Tag(s) were applied: PM2, PP3, PM1.

OMIM
Classification: Pathogenic for ARTHROGRYPOSIS, DISTAL, TYPE 2B3. Last evaluated: 2008-08-01. Review status: no assertion criteria provided. Collection method: literature only. Allele origin: germline. Not counted in ClinVar's aggregate classification.

Literature cited by the submitters: PubMed 18695058 (cited by SIB Swiss Institute of Bioinformatics and OMIM).

NM_002470.4(MYH3):c.1385A>G (p.Asp462Gly)

Gene: MYH3 (myosin heavy chain 3; minus strand). Cytogenetic location: 17p13.1.
Variant type: single nucleotide variant.
Coding change: c.1385A>G on transcript NM_002470.4 (MANE Select); coding-DNA position 1385, A replaced by G.
Protein change: p.Asp462Gly; replaces aspartic acid 462 with glycine.
Molecular consequence: missense variant.
Genome position (GRCh38, 1-based): chr17:10,644,376, T>C on the plus strand (A>G on the coding strand, the complement: MYH3 is on the minus strand). VCF-style: chr17-10644376-T-C. GRCh37 (hg19) VCF-style: chr17-10547693-T-C.
Other names: short protein forms D462G.
Identifiers: ClinVar variation 14144 (VCV000014144.3), dbSNP rs121913622, ClinGen allele CA123760.
Genomic context (GRCh38, chr17:10,644,376, plus strand): 5'-AGCCATATGAAAATATGAATATAAGTAACACAAACCTCAAAGATTTCAAAGCCTGCAATG[T>C]CCAAAACACCAATGAAGTGTTGTCTTGGAAGCTTCGTATCCAGTTGCTGGTTAATGCGAG-3'
Protein context (NP_002461.2, residues 452-472): LPRQHFIGVL[Asp462Gly]IAGFEIFEYN